The following is an entry in ClinVar:

NM_001042492.3(NF1):c.5969del (p.Pro1990fs)

Gene: NF1 (neurofibromin 1; plus strand). Cytogenetic location: 17q11.2.
Variant type: Deletion.
Coding change: c.5969del on transcript NM_001042492.3 (MANE Select); coding-DNA position 5969, one base deleted (C; older notation c.5969delC).
Protein change: p.Pro1990fs; shifts the reading frame from proline 1990.
Molecular consequence: frameshift variant.
Genome position (GRCh38, 1-based): chr17:31,334,994, C deleted; the last of 3 consecutive C bases (chr17:31,334,992-31,334,994); deleting any one gives the same sequence. VCF-style (leftmost placement, unchanged base first): chr17-31334991-AC-A. GRCh37 (hg19) VCF-style: chr17-29662009-AC-A.
Other names: c.5906delC, p.Pro1969Hisfs (NM_000267.4); short protein forms P1990fs, P1969fs.
Identifiers: ClinVar variation 2715850 (VCV002715850.3), dbSNP rs2508737450, ClinGen allele CA2697559597.

ClinVar aggregate classification (germline): Pathogenic (1 of 4 stars; one submission).

Conditions:
Neurofibromatosis, type 1 (NF1). Also called: Neurofibromatosis, type I; NEUROFIBROMATOSIS, TYPE I, SOMATIC; Peripheral type neurofibromatosis; VON RECKLINGHAUSEN DISEASE. Identifiers: Orphanet 636, MedGen C0027831, MONDO:0018975, OMIM 162200. Disease mechanism: loss of function.

Submission:

Labcorp Genetics (formerly Invitae), Labcorp
Classification: Pathogenic for Neurofibromatosis, type 1. Last evaluated: 2023-06-15. Review status: criteria provided, single submitter. Criteria: Invitae Variant Classification Sherloc (09022015). Collection method: clinical testing. Allele origin: germline.
Comment: For these reasons, this variant has been classified as Pathogenic. This variant has not been reported in the literature in individuals affected with NF1-related conditions. This variant is not present in population databases (gnomAD no frequency). This sequence change creates a premature translational stop signal (p.Pro1969Hisfs*22) in the NF1 gene. It is expected to result in an absent or disrupted protein product. Loss-of-function variants in NF1 are known to be pathogenic (PMID: 10712197, 23913538).

Literature cited by the submitters: PubMed 10712197; PubMed 23913538.